The following is an entry in ClinVar:

NM_198129.4(LAMA3):c.6922C>A (p.Pro2308Thr)

Gene: LAMA3 (laminin subunit alpha 3; plus strand). Cytogenetic location: 18q11.2.
Variant type: single nucleotide variant.
Coding change: c.6922C>A on transcript NM_198129.4 (MANE Select); coding-DNA position 6922, C replaced by A.
Protein change: p.Pro2308Thr; replaces proline 2308 with threonine.
Molecular consequence: missense variant.
Genome position (GRCh38, 1-based): chr18:23,907,842, C>A. VCF-style: chr18-23907842-C-A. GRCh37 (hg19) VCF-style: chr18-21487806-C-A.
Other names: c.2095C>A (NM_000227.3); c.2095C>A, p.Pro699Thr (NM_000227.6); c.6754C>A, p.Pro2252Thr (NM_001127717.4); c.1927C>A, p.Pro643Thr (NM_001127718.4); short protein forms P2252T, P699T, P643T, P2308T.
Identifiers: ClinVar variation 2139626 (VCV002139626.4), dbSNP rs150282408, ClinGen allele CA8916516.
Genomic context (GRCh38, chr18:23,907,842, plus strand): 5'-GCAAAGAGCATGGTCAGAAAGGCCAACGACATCACAGATGAGGTTCTGGATGGGCTCAAC[C>A]CCATCCAGACAGATGTGGAAAGAATTAAGGACACCTATGGGAGGACACAGAACGAAGACT-3'
Protein context (NP_937762.2, residues 2298-2318): ITDEVLDGLN[Pro2308Thr]IQTDVERIKD

ClinVar aggregate classification (germline): Uncertain significance. Review status: criteria provided, multiple submitters, no conflicts (2 of 4 stars). 2 submissions from 2 submitters: Uncertain significance (2). Last evaluated 2024-12-16.

Conditions:
Inborn genetic diseases. Identifiers: MedGen C0950123, MeSH D030342.

Allele frequency attached by ClinVar (database versions not stated): gnomAD 0.00001; ExAC 0.00002; gnomAD exomes 0.00002; TOPMed 0.00002; ESP Exome Variant Server 0.00015.
gnomAD v4.1: 27 of 1,613,994 alleles (0.0017%); highest among the groups gnomAD compares: Non-Finnish European, 0.0023%; no homozygotes.

Submissions (2):

Labcorp Genetics (formerly Invitae), Labcorp
Classification: Uncertain significance. Last evaluated: 2024-12-16. Review status: criteria provided, single submitter. Criteria: Invitae Variant Classification Sherloc (09022015). Collection method: clinical testing. Allele origin: germline.
Comment: This sequence change replaces proline, which is neutral and non-polar, with threonine, which is neutral and polar, at codon 699 of the LAMA3 protein (p.Pro699Thr). This variant is present in population databases (rs150282408, gnomAD 0.005%). This variant has not been reported in the literature in individuals affected with LAMA3-related conditions. ClinVar contains an entry for this variant (Variation ID: 2139626). Invitae Evidence Modeling of protein sequence and biophysical properties (such as structural, functional, and spatial information, amino acid conservation, physicochemical variation, residue mobility, and thermodynamic stability) indicates that this missense variant is not expected to disrupt LAMA3 protein function with a negative predictive value of 80%. In summary, the available evidence is currently insufficient to determine the role of this variant in disease. Therefore, it has been classified as a Variant of Uncertain Significance.

Ambry Genetics
Classification: Uncertain significance for Inborn genetic diseases. Last evaluated: 2024-04-09. Review status: criteria provided, single submitter. Criteria: Ambry Variant Classification Scheme 2023. Collection method: clinical testing. Allele origin: germline.